The following is an entry in ClinVar:

ClinVar aggregate classification (germline): Likely benign (1 of 4 stars; one submission).

Allele frequency attached by ClinVar (database versions not stated): gnomAD exomes 0.00070; gnomAD 0.00673 and 0.00717; TOPMed 0.00726; 1000 Genomes Project 0.00819; 1000 Genomes Project 30x 0.00921.
gnomAD v4.1: 1,473 of 784,256 alleles (0.19%); highest among the groups gnomAD compares: African/African-American, 2.4%; 14 homozygotes.

Submission:

GeneDx
Classification: Likely benign. Last evaluated: 2018-06-14. Review status: criteria provided, single submitter. Criteria: GeneDx Variant Classification (06012015). Collection method: clinical testing. Allele origin: germline. Affected: yes.
Comment: This variant is considered likely benign or benign based on one or more of the following criteria: it is a conservative change, it occurs at a poorly conserved position in the protein, it is predicted to be benign by multiple in silico algorithms, and/or has population frequency not consistent with disease.

NM_000089.4(COL1A2):c.2565+164G>T

Gene: COL1A2 (collagen type I alpha 2 chain; plus strand). Cytogenetic location: 7q21.3.
Variant type: single nucleotide variant.
Coding change: c.2565+164G>T on transcript NM_000089.4 (MANE Select); 164 bases into the intron after coding-DNA position 2565, G replaced by T.
Molecular consequence: intron variant.
Genome position (GRCh38, 1-based): chr7:94,423,282, G>T. VCF-style: chr7-94423282-G-T. GRCh37 (hg19) VCF-style: chr7-94052594-G-T.
Identifiers: ClinVar variation 679488 (VCV000679488.1), dbSNP rs115028384, ClinGen allele CA162938169.